The following is an entry in ClinVar:

NM_019066.5(MAGEL2):c.581C>T (p.Pro194Leu)

Gene: MAGEL2 (MAGE family member L2; minus strand). Cytogenetic location: 15q11.2.
Variant type: single nucleotide variant.
Coding change: c.581C>T on transcript NM_019066.5 (MANE Select); coding-DNA position 581, C replaced by T.
Protein change: p.Pro194Leu; replaces proline 194 with leucine.
Molecular consequence: missense variant.
Genome position (GRCh38, 1-based): chr15:23,647,162, G>A on the plus strand (C>T on the coding strand, the complement: MAGEL2 is on the minus strand). VCF-style: chr15-23647162-G-A. GRCh37 (hg19) VCF-style: chr15-23892309-G-A.
Other names: short protein forms P194L.
Identifiers: ClinVar variation 3348100 (VCV003348100.2).
Genomic context (GRCh38, chr15:23,647,162, plus strand): 5'-GGTGGAGGATGAGCCATCGGTGTCCCCGGAGGGGGAGGATGAGCCATCGGTGTCCCCGGA[G>A]GGGGAGGATGAGCCATCGGGGTCCCCGGAGGAGGAGGATGCACCATCGGGGTCCCCGGAG-3'
Protein context (NP_061939.3, residues 184-204): PPGTPMAHPP[Pro194Leu]PGTPMAHPPP

ClinVar aggregate classification (germline): Uncertain significance. Review status: criteria provided, single submitter (1 of 4 stars). 2 submissions from 2 submitters: Uncertain significance (1). 1 of the submissions does not count toward it. Last evaluated 2025-03-03.

Conditions:
MAGEL2-related disorder. Also called: MAGEL2-related condition.

Submissions (2):

GeneDx
Classification: Uncertain significance. Last evaluated: 2025-03-03. Review status: criteria provided, single submitter. Criteria: GeneDx Variant Classification Process June 2021. Collection method: clinical testing. Allele origin: germline. Affected: yes.
Comment: Not observed at significant frequency in large population cohorts (gnomAD); Has not been previously published as pathogenic or benign to our knowledge; In-silico analysis is inconclusive as to whether the variant impacts protein structure/function. In the absence of functional studies, the actual effect of this sequence change is unknown

PreventionGenetics, part of Exact Sciences
Classification: Uncertain significance for MAGEL2-related condition. Last evaluated: 2024-01-02. Review status: no assertion criteria provided. Collection method: clinical testing. Allele origin: germline. Not counted in ClinVar's aggregate classification.
Comment: The MAGEL2 c.581C>T variant is predicted to result in the amino acid substitution p.Pro194Leu. To our knowledge, this variant has not been reported in the literature or in a large population database, indicating this variant is rare. At this time, the clinical significance of this variant is uncertain due to the absence of conclusive functional and genetic evidence.